The following is an entry in ClinVar:

NM_001551.3(IGBP1):c.29C>T (p.Pro10Leu)

Genes: IGBP1 (immunoglobulin binding protein 1; plus strand), LOC130068396 (ATAC-STARR-seq lymphoblastoid active region 29728; plus strand). Cytogenetic location: Xq13.1.
Variant type: single nucleotide variant.
Coding change: c.29C>T on transcript NM_001551.3 (MANE Select); coding-DNA position 29, C replaced by T.
Protein change: p.Pro10Leu; replaces proline 10 with leucine.
Molecular consequence: missense variant.
Genome position (GRCh38, 1-based): chrX:70,133,976, C>T. VCF-style: chrX-70133976-C-T. GRCh37 (hg19) VCF-style: chrX-69353826-C-T.
Other names: c.29C>T, p.Pro10Leu (NM_001370192.1, NM_001370193.1, NM_001370194.1); c.29C>T (NM_001551.2); short protein forms P10L.
Identifiers: ClinVar variation 3902487 (VCV003902487.2).

ClinVar aggregate classification (germline): Uncertain significance. Review status: criteria provided, multiple submitters, no conflicts (2 of 4 stars). 2 submissions from 2 submitters: Uncertain significance (2). Last evaluated 2025-11-08.

gnomAD v4.1: 4 of 1,209,685 alleles (0.00033%); highest among the groups gnomAD compares: East Asian, 0.0059%; no homozygotes.

Submissions (2):

Ambry Genetics
Classification: Uncertain significance. Last evaluated: 2025-11-08. Review status: criteria provided, single submitter. Criteria: Ambry Variant Classification Scheme 2023. Collection method: clinical testing. Allele origin: germline.

Women's Health and Genetics/Laboratory Corporation of America, LabCorp
Classification: Uncertain significance. Last evaluated: 2025-05-06. Review status: criteria provided, single submitter. Criteria: LabCorp Variant Classification Summary - May 2015. Collection method: clinical testing. Allele origin: germline.
Comment: Variant summary: IGBP1 c.29C>T (p.Pro10Leu) results in a non-conservative amino acid change in the encoded protein sequence. Algorithms developed to predict the effect of missense changes on protein structure and function are either unavailable or do not agree on the potential impact of this missense change. The variant allele was found at a frequency of 1.6e-05 in 181918 control chromosomes. The available data on variant occurrences in the general population are insufficient to allow any conclusion about variant significance. To our knowledge, no occurrence of c.29C>T in individuals affected with Corpus Callosum Agenesis-Intellectual Disability-Coloboma Syndrome and no experimental evidence demonstrating its impact on protein function have been reported. No submitters have cited clinical-significance assessments for this variant to ClinVar. Based on the evidence outlined above, the variant was classified as uncertain significance.